The following is an entry in ClinVar:

ClinVar aggregate classification (germline): Benign/Likely benign. Review status: criteria provided, multiple submitters, no conflicts (2 of 4 stars). 2 submissions from 2 submitters: Benign (1); Likely benign (1). Last evaluated 2025-09-09.

Conditions:
Bethlem myopathy 1A. Also called: MYOPATHY, BENIGN CONGENITAL, WITH CONTRACTURES; Bethlem myopathy 1; Bethlem Muscular Dystrophy. Identifiers: Orphanet 610, MedGen CN029274, MONDO:0024530, OMIM 158810.

Allele frequency attached by ClinVar (database versions not stated): gnomAD exomes below 0.00001; gnomAD 0.00005; TOPMed 0.00007; 1000 Genomes Project 30x 0.00016; 1000 Genomes Project 0.00020.
gnomAD v4.1: 15 of 1,593,694 alleles (0.00094%); highest among the groups gnomAD compares: Admixed American, 0.0087%; no homozygotes.

Submissions (2):

Labcorp Genetics (formerly Invitae), Labcorp
Classification: Likely benign for Bethlem myopathy 1A. Last evaluated: 2025-09-09. Review status: criteria provided, single submitter. Criteria: Invitae Variant Classification Sherloc (09022015). Collection method: clinical testing. Allele origin: germline.

Women's Health and Genetics/Laboratory Corporation of America, LabCorp
Classification: Benign. Last evaluated: 2024-05-02. Review status: criteria provided, single submitter. Criteria: LabCorp Variant Classification Summary - May 2015. Collection method: clinical testing. Allele origin: germline.
Comment: Variant summary: COL6A1 c.2067-15C>T alters a non-conserved nucleotide located at a position not widely known to affect splicing. Consensus agreement among computation tools predict no significant impact on normal splicing. However, these predictions have yet to be confirmed by functional studies. The variant allele was found at a frequency of 9.4e-06 in 1593694 control chromosomes. The observed variant frequency is approximately 19.81 fold of the estimated maximal expected allele frequency for a pathogenic variant in COL6A1 causing Collagen Type VI-Related Disorders phenotype (4.8e-07), strongly suggesting that the variant is benign. To our knowledge, no occurrence of c.2067-15C>T in individuals affected with Collagen Type VI-Related Disorders and no experimental evidence demonstrating its impact on protein function have been reported. ClinVar contains an entry for this variant (Variation ID: 2919048). Based on the evidence outlined above, the variant was classified as benign.

NM_001848.3(COL6A1):c.2067-15C>T

Gene: COL6A1 (collagen type VI alpha 1 chain; plus strand). Cytogenetic location: 21q22.3.
Variant type: single nucleotide variant.
Coding change: c.2067-15C>T on transcript NM_001848.3 (MANE Select); 15 bases into the intron before coding-DNA position 2067, C replaced by T.
Molecular consequence: intron variant.
Genome position (GRCh38, 1-based): chr21:46,002,203, C>T. VCF-style: chr21-46002203-C-T. GRCh37 (hg19) VCF-style: chr21-47422117-C-T.
Identifiers: ClinVar variation 2919048 (VCV002919048.4), dbSNP rs565893011, ClinGen allele CA321978569.